The following is an entry in ClinVar:

NM_004304.5(ALK):c.4261G>T (p.Val1421Phe)

Gene: ALK (ALK receptor tyrosine kinase; minus strand). Cytogenetic location: 2p23.2.
Variant type: single nucleotide variant.
Coding change: c.4261G>T on transcript NM_004304.5 (MANE Select); coding-DNA position 4261, G replaced by T.
Protein change: p.Val1421Phe; replaces valine 1421 with phenylalanine.
Molecular consequence: missense variant.
Genome position (GRCh38, 1-based): chr2:29,193,826, C>A on the plus strand (G>T on the coding strand, the complement: ALK is on the minus strand). VCF-style: chr2-29193826-C-A. GRCh37 (hg19) VCF-style: chr2-29416692-C-A.
Other names: c.1057G>T, p.Val353Phe (NM_001353765.2); short protein forms V1421F, V353F.
Identifiers: ClinVar variation 1366184 (VCV001366184.11), dbSNP rs774358799, ClinGen allele CA346462971.

ClinVar aggregate classification (germline): Uncertain significance. Review status: criteria provided, multiple submitters, no conflicts (2 of 4 stars). 3 submissions from 3 submitters: Uncertain significance (3). Last evaluated 2023-11-29.

Conditions:
Hereditary cancer-predisposing syndrome. Also called: Hereditary neoplastic syndrome; Hereditary Cancer Syndrome; Neoplastic Syndromes, Hereditary; Tumor predisposition. Identifiers: Orphanet 140162, MedGen C0027672, MeSH D009386, MONDO:0015356.
Neuroblastoma, susceptibility to, 3. Also called: ALK-Related Neuroblastic Tumor Susceptibility. Identifiers: Orphanet 635, MedGen C2751681, MONDO:0013083, OMIM 613014.

Allele frequency attached by ClinVar (database versions not stated): gnomAD 0.00001.

Submissions (3):

Baylor Genetics
Classification: Uncertain significance for Neuroblastoma, susceptibility to, 3. Last evaluated: 2023-11-29. Review status: criteria provided, single submitter. Criteria: ACMG Guidelines, 2015. Collection method: clinical testing. Allele origin: unknown.

Ambry Genetics
Classification: Uncertain significance for Hereditary cancer-predisposing syndrome. Last evaluated: 2022-10-12. Review status: criteria provided, single submitter. Criteria: Ambry Variant Classification Scheme 2023. Collection method: clinical testing. Allele origin: germline.
Comment: The p.V1421F variant (also known as c.4261G>T), located in coding exon 29 of the ALK gene, results from a G to T substitution at nucleotide position 4261. The valine at codon 1421 is replaced by phenylalanine, an amino acid with highly similar properties. This amino acid position is conserved. In addition, this alteration is predicted to be tolerated by in silico analysis. Since supporting evidence is limited at this time, the clinical significance of this alteration remains unclear.

Labcorp Genetics (formerly Invitae), Labcorp
Classification: Uncertain significance for Neuroblastoma, susceptibility to, 3. Last evaluated: 2022-09-03. Review status: criteria provided, single submitter. Criteria: Invitae Variant Classification Sherloc (09022015). Collection method: clinical testing. Allele origin: germline.
Comment: This variant has not been reported in the literature in individuals affected with ALK-related conditions. This variant is not present in population databases (gnomAD no frequency). This sequence change replaces valine, which is neutral and non-polar, with phenylalanine, which is neutral and non-polar, at codon 1421 of the ALK protein (p.Val1421Phe). ClinVar contains an entry for this variant (Variation ID: 1366184). Algorithms developed to predict the effect of missense changes on protein structure and function are either unavailable or do not agree on the potential impact of this missense change (SIFT: "Deleterious"; PolyPhen-2: "Benign"; Align-GVGD: "Class C0"). In summary, the available evidence is currently insufficient to determine the role of this variant in disease. Therefore, it has been classified as a Variant of Uncertain Significance.